The following is an entry in ClinVar:

NM_144498.4(OSBPL2):c.1125+15A>G

Gene: OSBPL2 (oxysterol binding protein like 2; plus strand). Cytogenetic location: 20q13.33.
Variant type: single nucleotide variant.
Coding change: c.1125+15A>G on transcript NM_144498.4 (MANE Select); 15 bases into the intron after coding-DNA position 1125, A replaced by G.
Molecular consequence: intron variant.
Genome position (GRCh38, 1-based): chr20:62,286,726, A>G. VCF-style: chr20-62286726-A-G. GRCh37 (hg19) VCF-style: chr20-60861782-A-G.
Other names: c.849+15A>G (NM_001363878.2, NM_001278649.3); c.1089+15A>G (NM_014835.5).
Identifiers: ClinVar variation 517559 (VCV000517559.18), dbSNP rs2297592, ClinGen allele CA9938702.
Genomic context (GRCh38, chr20:62,286,726, plus strand): 5'-CAAGCTGCTCTGGAGGATCAACACCCGGCCCCCCAACTCTGCCCAGGTCTGTGTCCCTCC[A>G]TGGCCTGACGTCTCTGCCTGCTCATGTCACACCCACCTCTGGGCCCAGCCCCACGGCTCT-3'

ClinVar aggregate classification (germline): Benign. Review status: criteria provided, multiple submitters, no conflicts (2 of 4 stars). 5 submissions from 5 submitters: Benign (5). Last evaluated 2026-02-03.

Conditions:
Autosomal dominant nonsyndromic hearing loss 67. Also called: Deafness, autosomal dominant 67. Identifiers: Orphanet 90635, MedGen C4084712, MONDO:0014594, OMIM 616340.

Allele frequency attached by ClinVar (database versions not stated): 1000 Genomes Project 0.42013; 1000 Genomes Project 30x 0.42021; gnomAD exomes 0.43324 and 0.45548; ExAC 0.43776; gnomAD 0.44022 and 0.44193; TOPMed 0.44169; ESP Exome Variant Server 0.46094.
gnomAD v4.1: 727,361 of 1,602,472 alleles (45%); highest among the groups gnomAD compares: Non-Finnish European, 47%; 166,231 homozygotes.

Submissions (5):

Labcorp Genetics (formerly Invitae), Labcorp
Classification: Benign. Last evaluated: 2026-02-03. Review status: criteria provided, single submitter. Criteria: Invitae Variant Classification Sherloc (09022015). Collection method: clinical testing. Allele origin: germline.

Genome-Nilou Lab
Classification: Benign for Autosomal dominant nonsyndromic hearing loss 67. Last evaluated: 2021-09-05. Review status: criteria provided, single submitter. Criteria: ACMG Guidelines, 2015. Collection method: clinical testing. Allele origin: germline. Affected: no.

GeneDx
Classification: Benign. Last evaluated: 2018-06-22. Review status: criteria provided, single submitter. Criteria: GeneDx Variant Classification Process June 2021. Collection method: clinical testing. Allele origin: germline. Affected: yes.

Laboratory for Molecular Medicine, Mass General Brigham Personalized Medicine
Classification: Benign. Last evaluated: 2017-08-23. Review status: criteria provided, single submitter. Criteria: LMM Criteria. Collection method: clinical testing. Allele origin: germline. Observed: 43 variant alleles.
Comment: c.1125+15A>G in intron 11 of OSBPL2: This variant is not expected to have clinic al significance because it does not alter an amino acid residue, is not located within the splice consensus sequence, and has been identified in 47.57% (4077/85 70) of East Asian chromosomes by the Exome Aggregation Consortium (ExAC; dbSNP rs2297592).

Breakthrough Genomics
Classification: Benign. Review status: criteria provided, single submitter. Criteria: ACMG Guidelines, 2015. Collection method: not provided. Allele origin: germline. Inheritance: Autosomal dominant inheritance. Affected: yes.